The following is an entry in ClinVar:

NM_000179.3(MSH6):c.3032T>C (p.Ile1011Thr)

Gene: MSH6 (mutS homolog 6; plus strand). Cytogenetic location: 2p16.3.
Variant type: single nucleotide variant.
Coding change: c.3032T>C on transcript NM_000179.3 (MANE Select); coding-DNA position 3032, T replaced by C.
Protein change: p.Ile1011Thr; replaces isoleucine 1011 with threonine.
Molecular consequence: missense variant.
Genome position (GRCh38, 1-based): chr2:47,801,015, T>C. VCF-style: chr2-47801015-T-C. GRCh37 (hg19) VCF-style: chr2-48028154-T-C.
Other names: c.2642T>C, p.Ile881Thr (NM_001281492.2); c.2126T>C, p.Ile709Thr (NM_001281493.2, NM_001281494.2); short protein forms I1011T, I709T, I881T.
Identifiers: ClinVar variation 1024973 (VCV001024973.12), dbSNP rs1387534158, ClinGen allele CA346756463.
Genomic context (GRCh38, chr2:47,801,015, plus strand): 5'-CAGAAGAATACGAGTTGAAATCTACCAAGAAGGGCTGTAAACGATACTGGACCAAAACTA[T>C]TGAAAAGAAGTTGGCTAATCTCATAAATGCTGAAGAACGGAGGGATGTATCATTGAAGGA-3'
Protein context (NP_000170.1, residues 1001-1021): KGCKRYWTKT[Ile1011Thr]EKKLANLINA

ClinVar aggregate classification (germline): Uncertain significance. Review status: criteria provided, multiple submitters, no conflicts (2 of 4 stars). 2 submissions from 2 submitters: Uncertain significance (2). Last evaluated 2023-05-09.

Conditions:
Hereditary cancer-predisposing syndrome. Also called: Hereditary Cancer Syndrome; Neoplastic Syndromes, Hereditary; Tumor predisposition; Hereditary neoplastic syndrome. Identifiers: Orphanet 140162, MedGen C0027672, MeSH D009386, MONDO:0015356.
Hereditary nonpolyposis colorectal neoplasms. Identifiers: MedGen C0009405, MeSH D003123.

Allele frequency attached by ClinVar (database versions not stated): gnomAD exomes below 0.00001.
gnomAD v4.1: 4 of 1,572,842 alleles (0.00025%); highest among the groups gnomAD compares: South Asian, 0.0012%; no homozygotes.

Submissions (2):

Ambry Genetics
Classification: Uncertain significance for Hereditary cancer-predisposing syndrome. Last evaluated: 2023-05-09. Review status: criteria provided, single submitter. Criteria: Ambry Variant Classification Scheme 2023. Collection method: clinical testing. Allele origin: germline.
Comment: The p.I1011T variant (also known as c.3032T>C), located in coding exon 4 of the MSH6 gene, results from a T to C substitution at nucleotide position 3032. The isoleucine at codon 1011 is replaced by threonine, an amino acid with similar properties. This amino acid position is well conserved in available vertebrate species. In addition, the in silico prediction for this alteration is inconclusive. Since supporting evidence is limited at this time, the clinical significance of this alteration remains unclear.

Labcorp Genetics (formerly Invitae), Labcorp
Classification: Uncertain significance for Hereditary nonpolyposis colorectal neoplasms. Last evaluated: 2020-02-17. Review status: criteria provided, single submitter. Criteria: Invitae Variant Classification Sherloc (09022015). Collection method: clinical testing. Allele origin: germline.
Comment: This sequence change replaces isoleucine with threonine at codon 1011 of the MSH6 protein (p.Ile1011Thr). The isoleucine residue is highly conserved and there is a moderate physicochemical difference between isoleucine and threonine. This variant is not present in population databases (ExAC no frequency). This variant has not been reported in the literature in individuals with MSH6-related conditions. Algorithms developed to predict the effect of missense changes on protein structure and function (SIFT, PolyPhen-2, Align-GVGD) all suggest that this variant is likely to be disruptive, but these predictions have not been confirmed by published functional studies and their clinical significance is uncertain. In summary, the available evidence is currently insufficient to determine the role of this variant in disease. Therefore, it has been classified as a Variant of Uncertain Significance.